The following is an entry in ClinVar:

NM_000235.4(LIPA):c.160G>T (p.Glu54Ter)

Gene: LIPA (lipase A, lysosomal acid type; minus strand). Cytogenetic location: 10q23.31.
Variant type: single nucleotide variant.
Coding change: c.160G>T on transcript NM_000235.4 (MANE Select); coding-DNA position 160, G replaced by T.
Protein change: p.Glu54Ter; replaces glutamic acid 54 with a stop codon.
Molecular consequence: nonsense. On other transcripts: intron variant (1).
Genome position (GRCh38, 1-based): chr10:89,245,745, C>A on the plus strand (G>T on the coding strand, the complement: LIPA is on the minus strand). VCF-style: chr10-89245745-C-A. GRCh37 (hg19) VCF-style: chr10-91005502-C-A.
Other names: c.160G>T, p.Glu54Ter (NM_001127605.3); c.-120+5992G>T (NM_001288979.2); short protein forms E54*.
Identifiers: ClinVar variation 983952 (VCV000983952.4), dbSNP rs1843015393, ClinGen allele CA377518324.

ClinVar aggregate classification (germline): Likely pathogenic (1 of 4 stars; one submission).

Conditions:
Lysosomal acid lipase deficiency. Also called: Acid cholesteryl ester hydrolase deficiency, type 2. Identifiers: Orphanet 275761, MedGen C5574740, MONDO:0800449, MONDO:0010204.

Submission:

Myriad Genetics, Inc.
Classification: Likely pathogenic for Cholesteryl ester storage disease. Last evaluated: 2019-04-28. Review status: criteria provided, single submitter. Criteria: Myriad Women's Health Autosomal Recessive and X-Linked Classification Criteria (2019). Collection method: clinical testing. Allele origin: unknown.
Comment: NM_000235.2(LIPA):c.160G>T(E54*) is expected to be pathogenic in the context of lysosomal acid lipase deficiency. This variant is predicted to lead to an abnormal or absent protein product due to the creation of a premature termination codon in LIPA, a gene where loss-of-function variants are known to be pathogenic. Please note: this variant was assessed in the context of healthy population screening.